The following is an entry in ClinVar:

ClinVar aggregate classification (germline): Pathogenic (1 of 4 stars; one submission).

Conditions:
Classic homocystinuria. Also called: HOMOCYSTINURIA WITH OR WITHOUT RESPONSE TO PYRIDOXINE; Homocystinuria due to CBS deficiency; Cystathionine beta-synthase deficiency; CBS deficiency; Homocystinuria due to Cystathionine Beta-Synthase Deficiency. Identifiers: Orphanet 394, MedGen C0751202, MONDO:0009352, OMIM 236200.

Submission:

Myriad Genetics, Inc.
Classification: Pathogenic for Classic homocystinuria. Last evaluated: 2024-04-19. Review status: criteria provided, single submitter. Criteria: Myriad Autosomal Dominant, Autosomal Recessive and X-Linked Classification Criteria (2023). Collection method: clinical testing. Allele origin: unknown.
Comment: NM_000071.2(CBS):c.1230G>A(W410*) is expected to be pathogenic in the context of homocystinuria, CBS-related. This variant is predicted to lead to an abnormal or absent protein product due to the creation of a premature termination codon in CBS, a gene where loss-of-function variants are known to be pathogenic. Please note: this variant was assessed in the context of healthy population screening.

NM_000071.3(CBS):c.1230G>A (p.Trp410Ter)

Gene: CBS (cystathionine beta-synthase; minus strand). Cytogenetic location: 21q22.3.
Variant type: single nucleotide variant.
Coding change: c.1230G>A on transcript NM_000071.3 (MANE Select); coding-DNA position 1230, G replaced by A.
Protein change: p.Trp410Ter; replaces tryptophan 410 with a stop codon.
Molecular consequence: nonsense.
Genome position (GRCh38, 1-based): chr21:43,058,962, C>T on the plus strand (G>A on the coding strand, the complement: CBS is on the minus strand). VCF-style: chr21-43058962-C-T. GRCh37 (hg19) VCF-style: chr21-44479072-C-T.
Other names: c.1230G>A, p.Trp410Ter (NM_001178008.3, NM_001178009.3, NM_001320298.2); c.915G>A, p.Trp305Ter (NM_001321072.1); short protein forms W305*, W410*.
Identifiers: ClinVar variation 5016389 (VCV005016389.1).